The following is an entry in ClinVar:

NM_000455.5(STK11):c.1163A>G (p.Lys388Arg)

Gene: STK11 (serine/threonine kinase 11; plus strand). Cytogenetic location: 19p13.3.
Variant type: single nucleotide variant.
Coding change: c.1163A>G on transcript NM_000455.5 (MANE Select); coding-DNA position 1163, A replaced by G.
Protein change: p.Lys388Arg; replaces lysine 388 with arginine.
Molecular consequence: missense variant.
Genome position (GRCh38, 1-based): chr19:1,226,508, A>G. VCF-style: chr19-1226508-A-G. GRCh37 (hg19) VCF-style: chr19-1226507-A-G.
Other names: short protein forms K388R.
Identifiers: ClinVar variation 422754 (VCV000422754.26), dbSNP rs756877141, ClinGen allele CA045677.

ClinVar aggregate classification (germline): Uncertain significance. Review status: criteria provided, multiple submitters, no conflicts (2 of 4 stars). 9 submissions from 9 submitters: Uncertain significance (9). Last evaluated 2025-10-23.

Conditions:
Hereditary cancer-predisposing syndrome. Also called: Hereditary neoplastic syndrome; Hereditary Cancer Syndrome; Neoplastic Syndromes, Hereditary; Tumor predisposition. Identifiers: Orphanet 140162, MedGen C0027672, MeSH D009386, MONDO:0015356.
Peutz-Jeghers syndrome (PJS). Also called: Peutz-Jeghers polyposis; Periorificial lentiginosis syndrome; POLYPOSIS, HAMARTOMATOUS INTESTINAL; POLYPS-AND-SPOTS SYNDROME. Identifiers: Orphanet 2869, MedGen C0031269, MeSH D010580, MONDO:0008280, OMIM 175200.

Allele frequency attached by ClinVar (database versions not stated): gnomAD 0.00001; gnomAD exomes 0.00001; ExAC 0.00002; TOPMed 0.00002.
gnomAD v4.1: 10 of 1,610,672 alleles (0.00062%); highest among the groups gnomAD compares: African/African-American, 0.004%; no homozygotes.

Submissions (9):

Labcorp Genetics (formerly Invitae), Labcorp
Classification: Uncertain significance for Peutz-Jeghers syndrome. Last evaluated: 2025-10-23. Review status: criteria provided, single submitter. Criteria: Invitae Variant Classification Sherloc (09022015). Collection method: clinical testing. Allele origin: germline.
Comment: This sequence change replaces lysine, which is basic and polar, with arginine, which is basic and polar, at codon 388 of the STK11 protein (p.Lys388Arg). This variant is present in population databases (rs756877141, gnomAD 0.003%). This missense change has been observed in individual(s) with breast cancer (PMID: 35264596). ClinVar contains an entry for this variant (Variation ID: 422754). Invitae Evidence Modeling of protein sequence and biophysical properties (such as structural, functional, and spatial information, amino acid conservation, physicochemical variation, residue mobility, and thermodynamic stability) indicates that this missense variant is not expected to disrupt STK11 protein function with a negative predictive value of 95%. In summary, the available evidence is currently insufficient to determine the role of this variant in disease. Therefore, it has been classified as a Variant of Uncertain Significance.

Ambry Genetics
Classification: Uncertain significance for Hereditary cancer-predisposing syndrome. Last evaluated: 2024-05-15. Review status: criteria provided, single submitter. Criteria: Ambry Variant Classification Scheme 2023. Collection method: clinical testing. Allele origin: germline.
Comment: The p.K388R variant (also known as c.1163A>G), located in coding exon 9 of the STK11 gene, results from an A to G substitution at nucleotide position 1163. The lysine at codon 388 is replaced by arginine, an amino acid with highly similar properties. This amino acid position is highly conserved in available vertebrate species. In addition, this alteration is predicted to be tolerated by in silico analysis. Since supporting evidence is limited at this time, the clinical significance of this alteration remains unclear.

All of Us Research Program, National Institutes of Health
Classification: Uncertain significance for Peutz-Jeghers syndrome. Last evaluated: 2023-12-01. Review status: criteria provided, single submitter. Criteria: ACMG Guidelines, 2015. Collection method: clinical testing. Allele origin: germline. Inheritance: Autosomal dominant inheritance. Observed: 2 variant alleles, 2 heterozygotes.
Comment: This missense variant replaces lysine with arginine at codon 388 of the STK11 protein. Computational prediction suggests that this variant may not impact protein structure and function (internally defined REVEL score threshold <= 0.5, PMID: 27666373). To our knowledge, functional studies have not been reported for this variant. This variant has not been reported in individuals affected with STK11-related disorders in the literature. This variant has been identified in 3/240296 chromosomes in the general population by the Genome Aggregation Database (gnomAD). The available evidence is insufficient to determine the role of this variant in disease conclusively. Therefore, this variant is classified as a Variant of Uncertain Significance.

This study involves interpretation of variants in research participants for the purpose of population health screening. Participant phenotype was not available at the time of variant classification. Additional details can be found in publication PMID: 35346344, PMCID: PMC8962531

Color Diagnostics, LLC DBA Color Health
Classification: Uncertain significance for Hereditary cancer-predisposing syndrome. Last evaluated: 2023-03-31. Review status: criteria provided, single submitter. Criteria: ACMG Guidelines, 2015. Collection method: clinical testing. Allele origin: germline.
Comment: This missense variant replaces lysine with arginine at codon 388 of the STK11 protein. Computational prediction suggests that this variant may not impact protein structure and function (internally defined REVEL score threshold <= 0.5, PMID: 27666373). To our knowledge, functional studies have not been reported for this variant. This variant has not been reported in individuals affected with STK11-related disorders in the literature. This variant has been identified in 3/240296 chromosomes in the general population by the Genome Aggregation Database (gnomAD). The available evidence is insufficient to determine the role of this variant in disease conclusively. Therefore, this variant is classified as a Variant of Uncertain Significance.

GeneDx
Classification: Uncertain significance. Last evaluated: 2022-06-30. Review status: criteria provided, single submitter. Criteria: GeneDx Variant Classification Process June 2021. Collection method: clinical testing. Allele origin: germline. Affected: yes.
Comment: Not observed at significant frequency in large population cohorts (gnomAD); In silico analysis supports that this missense variant does not alter protein structure/function; Has not been previously published as pathogenic or benign to our knowledge; This variant is associated with the following publications: (PMID: 28900777)

Genome-Nilou Lab
Classification: Uncertain significance for Peutz-Jeghers syndrome. Last evaluated: 2021-07-15. Review status: criteria provided, single submitter. Criteria: ACMG Guidelines, 2015. Collection method: clinical testing. Allele origin: germline. Affected: no.

Quest Diagnostics Nichols Institute San Juan Capistrano
Classification: Uncertain significance. Last evaluated: 2021-04-02. Review status: criteria provided, single submitter. Criteria: Quest Diagnostics criteria. Collection method: clinical testing. Allele origin: unknown.

Mendelics
Classification: Uncertain significance for Peutz-Jeghers syndrome. Last evaluated: 2018-07-02. Review status: criteria provided, single submitter. Criteria: Mendelics Assertion Criteria 2017. Collection method: clinical testing. Allele origin: unknown.

Women's Health and Genetics/Laboratory Corporation of America, LabCorp
Classification: Uncertain significance. Last evaluated: 2016-05-09. Review status: criteria provided, single submitter. Criteria: LabCorp Variant Classification Summary - May 2015. Collection method: clinical testing. Allele origin: germline.
Comment: Variant summary: The STK11 c.1163A>G (p.Lys388Arg) variant involves the alteration of a conserved nucleotide. 3/4 in silico tools predict a benign outcome (SNPs&GO not captured due to low reliability index). This variant was found in 2/90388 control chromosomes, predominantly observed in the European (Non-Finnish) subpopulation at a frequency of 0.0000394 (2/50760). This frequency is about 6 times the estimated maximal expected allele frequency of a pathogenic STK11 variant (0.0000063), suggesting this is likely a benign polymorphism found primarily in the populations of European (Non-Finnish) origin. The variant of interest has not, to our knowledge, been reported in affected individuals via publications and/or reputable databases/clinical diagnostic laboratories; nor evaluated for functional impact by in vivo/vitro studies. Taken together, this variant is classified as VUS - Possibly Benign.

Literature cited by the submitters: PubMed 35264596 (cited by Labcorp Genetics (formerly Invitae), Labcorp).